The following is an entry in ClinVar:

NM_001083961.2(WDR62):c.4502T>A (p.Leu1501Gln)

Gene: WDR62 (WD repeat domain 62; plus strand). Cytogenetic location: 19q13.12.
Variant type: single nucleotide variant.
Coding change: c.4502T>A on transcript NM_001083961.2 (MANE Select); coding-DNA position 4502, T replaced by A.
Protein change: p.Leu1501Gln; replaces leucine 1501 with glutamine.
Molecular consequence: missense variant.
Genome position (GRCh38, 1-based): chr19:36,104,958, T>A. VCF-style: chr19-36104958-T-A. GRCh37 (hg19) VCF-style: chr19-36595860-T-A.
Other names: c.4487T>A, p.Leu1496Gln (NM_001411145.1, NM_173636.5); c.4253T>A, p.Leu1418Gln (NM_001411146.1); c.4151T>A, p.Leu1384Gln (NM_001411147.1); short protein forms L1418Q, L1501Q, L1384Q, L1496Q.
Identifiers: ClinVar variation 3981168 (VCV003981168.2).

ClinVar aggregate classification (germline): Uncertain significance (1 of 4 stars; one submission).

Conditions:
Inborn genetic diseases. Identifiers: MedGen C0950123, MeSH D030342.

Submission:

Ambry Genetics
Classification: Uncertain significance for Inborn genetic diseases. Last evaluated: 2025-09-19. Review status: criteria provided, single submitter. Criteria: Ambry Variant Classification Scheme 2023. Collection method: clinical testing. Allele origin: germline.
Comment: The c.4502T>A (p.L1501Q) alteration is located in exon 32 (coding exon 32) of the WDR62 gene. This alteration results from a T to A substitution at nucleotide position 4502, causing the leucine (L) at amino acid position 1501 to be replaced by a glutamine (Q). This variant was not reported in population-based cohorts in the Genome Aggregation Database (gnomAD). This amino acid position is well conserved in available vertebrate species. This alteration is predicted to be tolerated by in silico analysis. Based on insufficient or conflicting evidence, the clinical significance of this alteration remains unclear.